The following is an entry in ClinVar:

NM_001105206.3(LAMA4):c.5377del (p.Ile1793fs)

Gene: LAMA4 (laminin subunit alpha 4; minus strand). Cytogenetic location: 6q21.
Variant type: Deletion.
Coding change: c.5377del on transcript NM_001105206.3 (MANE Select); coding-DNA position 5377, one base deleted (A; older notation c.5377delA).
Protein change: p.Ile1793fs; shifts the reading frame from isoleucine 1793.
Molecular consequence: frameshift variant.
Genome position (GRCh38, 1-based): chr6:112,109,532, T deleted on the plus strand (A on the coding strand, the reverse complement: LAMA4 is on the minus strand). VCF-style (leftmost placement, unchanged base first): chr6-112109531-AT-A. GRCh37 (hg19) VCF-style: chr6-112430734-AT-A.
Other names: c.5356del, p.Ile1786fs (NM_001105207.3, NM_002290.5); short protein forms I1793fs, I1786fs.
Identifiers: ClinVar variation 4729791 (VCV004729791.1).

ClinVar aggregate classification (germline): Uncertain significance (1 of 4 stars; one submission).

Conditions:
Dilated cardiomyopathy 1JJ (CMD1JJ). Identifiers: Orphanet 154, MedGen C3808935, MONDO:0014095, OMIM 615235.

Submission:

Labcorp Genetics (formerly Invitae), Labcorp
Classification: Uncertain significance for Dilated cardiomyopathy 1JJ. Last evaluated: 2025-10-24. Review status: criteria provided, single submitter. Criteria: Invitae Variant Classification Sherloc (09022015). Collection method: clinical testing. Allele origin: germline.
Comment: This sequence change creates a premature translational stop signal (p.Ile1786Tyrfs*5) in the LAMA4 gene. While this is not anticipated to result in nonsense mediated decay, it is expected to disrupt the last 31 amino acid(s) of the LAMA4 protein. This variant is not present in population databases (gnomAD no frequency). This variant has not been reported in the literature in individuals affected with LAMA4-related conditions. In summary, the available evidence is currently insufficient to determine the role of this variant in disease. Therefore, it has been classified as a Variant of Uncertain Significance.